The following is an entry in ClinVar:

NM_000202.8(IDS):c.419-6del

Genes: IDS (iduronate 2-sulfatase; minus strand), LOC106050102 (IDS recombination region; plus strand). Cytogenetic location: Xq28.
Variant type: Deletion.
Coding change: c.419-6del on transcript NM_000202.8 (MANE Select); 6 bases into the intron before coding-DNA position 419, one base deleted (T; older notation c.419-6delT).
Molecular consequence: intron variant.
Genome position (GRCh38, 1-based): chrX:149,501,043, A deleted on the plus strand (T on the coding strand, the reverse complement: IDS is on the minus strand); the first of 11 consecutive A bases (chrX:149,501,043-149,501,053); deleting any one gives the same sequence. VCF-style (leftmost placement, unchanged base first): chrX-149501042-GA-G. GRCh37 (hg19) VCF-style: chrX-148582573-GA-G.
Other names: c.149-6del (NM_001166550.4); c.419-6del (NM_006123.5); c.419-6delT (NM_000202.7).
Identifiers: ClinVar variation 558997 (VCV000558997.20), dbSNP rs781852261, ClinGen allele CA10537662.

ClinVar aggregate classification (germline): Benign/Likely benign. Review status: criteria provided, multiple submitters, no conflicts (2 of 4 stars). 7 submissions from 7 submitters: Benign (1); Likely benign (2). 4 of the submissions do not count toward it. Last evaluated 2026-02-04.

Conditions:
Mucopolysaccharidosis, MPS-II (MPS2). Also called: Attenuated MPS (subtype; formerly known as mild MPS II); Severe MPS II; I2S deficiency; MPS 2; Hunter Syndrome; IDURONATE 2-SULFATASE DEFICIENCY. Identifiers: Orphanet 580, Orphanet 79388, MedGen C0026705, MONDO:0010674, OMIM 309900.
Mucopolysaccharidosis, MPS-III-A (MPS3A). Also called: Mucopolysaccharidosis, type IIIA; MPS IIIA (Sanfilippo Syndrome Type A); MPS III A; SANFILIPPO SYNDROME A; SULFAMIDASE DEFICIENCY; Mucopolysaccharidosis type IIIA (Sanfilippo A). Identifiers: Orphanet 581, Orphanet 79269, MedGen C0086647, MONDO:0009655, OMIM 252900.
IDS-related disorder. Also called: IDS-related condition.

Submissions (7):

Labcorp Genetics (formerly Invitae), Labcorp
Classification: Benign for Mucopolysaccharidosis, MPS-II. Last evaluated: 2026-02-04. Review status: criteria provided, single submitter. Criteria: Invitae Variant Classification Sherloc (09022015). Collection method: clinical testing. Allele origin: germline.

PreventionGenetics, part of Exact Sciences
Classification: Likely benign for IDS-related condition. Last evaluated: 2025-10-09. Review status: criteria provided, single submitter. Criteria: ACMG Guidelines, 2015. Collection method: clinical testing. Allele origin: germline.
Comment: This variant is classified as likely benign based on ACMG/AMP sequence variant interpretation guidelines (Richards et al. 2015 PMID: 25741868, with internal and published modifications).

GeneDx
Classification: Likely benign. Last evaluated: 2019-09-26. Review status: criteria provided, single submitter. Criteria: GeneDx Variant Classification Process June 2021. Collection method: clinical testing. Allele origin: germline. Affected: yes.

Natera, Inc.
Classification: Benign for Mucopolysaccharidosis type IIIA. Last evaluated: 2019-09-09. Review status: no assertion criteria provided. Collection method: clinical testing. Allele origin: germline. Not counted in ClinVar's aggregate classification.

Mayo Clinic Laboratories, Mayo Clinic
Classification: Uncertain significance. Last evaluated: 2015-10-26. Review status: no assertion criteria provided. Collection method: clinical testing. Allele origin: unknown. Not counted in ClinVar's aggregate classification.

Clinical Genetics DNA and cytogenetics Diagnostics Lab, Erasmus MC, Erasmus Medical Center
Classification: Benign. Review status: no assertion criteria provided. Collection method: clinical testing. Allele origin: germline. Affected: yes. Study: VKGL Data-share Consensus. Not counted in ClinVar's aggregate classification.

Clinical Genetics, Academic Medical Center
Classification: Likely benign. Review status: no assertion criteria provided. Collection method: clinical testing. Allele origin: germline. Affected: yes. Study: VKGL Data-share Consensus. Not counted in ClinVar's aggregate classification.